The following is an entry in ClinVar:

ClinVar aggregate classification (germline): Likely benign. Review status: criteria provided, multiple submitters, no conflicts (2 of 4 stars). 6 submissions from 6 submitters: Likely benign (6). Last evaluated 2025-08-01.

Conditions:
Cardiovascular phenotype. Identifiers: MedGen CN230736.
Autosomal recessive limb-girdle muscular dystrophy type 2J (LGMDR10). Also called: Limb-girdle muscular dystrophy, type 2J; MUSCULAR DYSTROPHY, LIMB-GIRDLE, AUTOSOMAL RECESSIVE 10. Identifiers: Orphanet 140922, MedGen C1837342, MONDO:0012127, OMIM 608807.
Dilated cardiomyopathy 1G (CMD1G). Identifiers: Orphanet 154, MedGen C1858763, MONDO:0011400, OMIM 604145.

Allele frequency attached by ClinVar (database versions not stated): TOPMed 0.00001; gnomAD exomes 0.00002 and 0.00003; ExAC 0.00004; 1000 Genomes Project 30x 0.00016; 1000 Genomes Project 0.00020.
gnomAD v4.1: 29 of 1,613,362 alleles (0.0018%); highest among the groups gnomAD compares: Middle Eastern, 0.017%; no homozygotes.

Submissions (6):

CeGaT Center for Human Genetics Tuebingen
Classification: Likely benign. Last evaluated: 2025-08-01. Review status: criteria provided, single submitter. Criteria: CeGaT Center For Human Genetics Tuebingen Variant Classification Criteria Version 2. Collection method: clinical testing. Allele origin: germline. Affected: yes. Observed: 2 variant alleles.
Comment: TTN: BP4, BP7

Labcorp Genetics (formerly Invitae), Labcorp
Classification: Likely benign for Dilated cardiomyopathy 1G; Autosomal recessive limb-girdle muscular dystrophy type 2J. Last evaluated: 2025-06-29. Review status: criteria provided, single submitter. Criteria: Invitae Variant Classification Sherloc (09022015). Collection method: clinical testing. Allele origin: germline.

Laboratory of Genetics, Children's Clinical University Hospital Latvia
Classification: Likely benign. Last evaluated: 2025-02-16. Review status: criteria provided, single submitter. Criteria: ACMG Guidelines, 2015. Collection method: clinical testing. Allele origin: germline. Affected: yes.

Blueprint Genetics
Classification: Likely benign. Last evaluated: 2023-06-27. Review status: criteria provided, single submitter. Criteria: ACMG Guidelines, 2015. Collection method: clinical testing. Allele origin: germline.

Ambry Genetics
Classification: Likely benign for Cardiovascular phenotype. Last evaluated: 2022-09-26. Review status: criteria provided, single submitter. Criteria: Ambry Variant Classification Scheme 2023. Collection method: clinical testing. Allele origin: germline.

GeneDx
Classification: Likely benign. Last evaluated: 2016-08-18. Review status: criteria provided, single submitter. Criteria: GeneDx Variant Classification (06012015). Collection method: clinical testing. Allele origin: germline. Affected: yes.
Comment: This variant is considered likely benign or benign based on one or more of the following criteria: it is a conservative change, it occurs at a poorly conserved position in the protein, it is predicted to be benign by multiple in silico algorithms, and/or has population frequency not consistent with disease.

NM_001267550.2(TTN):c.77541C>T (p.Thr25847=)

Genes: TTN (titin; minus strand), TTN-AS1 (TTN antisense RNA 1; plus strand). Cytogenetic location: 2q31.2.
Variant type: single nucleotide variant.
Coding change: c.77541C>T on transcript NM_001267550.2 (MANE Select); coding-DNA position 77541, C replaced by T.
Protein change: p.Thr25847=; no amino-acid change (threonine 25847 retained).
Molecular consequence: synonymous variant.
Genome position (GRCh38, 1-based): chr2:178,568,591, G>A on the plus strand (C>T on the coding strand, the complement: TTN is on the minus strand). VCF-style: chr2-178568591-G-A. GRCh37 (hg19) VCF-style: chr2-179433318-G-A.
Other names: c.72618C>T, p.Thr24206= (NM_001256850.1); c.50346C>T, p.Thr16782= (NM_003319.4); c.69837C>T, p.Thr23279= (NM_133378.4); c.50721C>T, p.Thr16907= (NM_133432.3); c.50922C>T, p.Thr16974= (NM_133437.4).
Identifiers: ClinVar variation 388785 (VCV000388785.47), dbSNP rs556181023, ClinGen allele CA1989759.